The following is an entry in ClinVar:

ClinVar aggregate classification (germline): Likely benign. Review status: criteria provided, single submitter (1 of 4 stars). 2 submissions from 2 submitters: Likely benign (1). 1 of the submissions does not count toward it. Last evaluated 2023-07-12.

Conditions:
SYT14-related disorder. Also called: SYT14-related condition.

Allele frequency attached by ClinVar (database versions not stated): gnomAD 0.00006; TOPMed 0.00007.
gnomAD v4.1: 44 of 1,558,452 alleles (0.0028%); highest among the groups gnomAD compares: Admixed American, 0.014%; no homozygotes.

Submissions (2):

Ambry Genetics
Classification: Likely benign. Last evaluated: 2023-07-12. Review status: criteria provided, single submitter. Criteria: Ambry Variant Classification Scheme 2023. Collection method: clinical testing. Allele origin: germline.

PreventionGenetics, part of Exact Sciences
Classification: Likely benign for SYT14-related condition. Last evaluated: 2019-02-24. Review status: no assertion criteria provided. Collection method: clinical testing. Allele origin: germline. Not counted in ClinVar's aggregate classification.
Comment: This variant is classified as likely benign based on ACMG/AMP sequence variant interpretation guidelines (Richards et al. 2015 PMID: 25741868, with internal and published modifications).

NM_001146262.4(SYT14):c.8T>C (p.Ile3Thr)

Gene: SYT14 (synaptotagmin 14; plus strand). Cytogenetic location: 1q32.2.
Variant type: single nucleotide variant.
Coding change: c.8T>C on transcript NM_001146262.4 (MANE Select); coding-DNA position 8, T replaced by C.
Protein change: p.Ile3Thr; replaces isoleucine 3 with threonine.
Molecular consequence: missense variant. On other transcripts: synonymous variant (2), 5 prime UTR variant (3), non-coding transcript variant (1).
Genome position (GRCh38, 1-based): chr1:209,938,272, T>C. VCF-style: chr1-209938272-T-C. GRCh37 (hg19) VCF-style: chr1-210111617-T-C.
Other names: c.22T>C, p.Leu8= (NM_001146261.4, NM_001146264.4); c.-312T>C (NM_001256006.3); c.-1042T>C (NM_001397544.1); c.-1247T>C (NM_001397545.1); c.8T>C, p.Ile3Thr (NM_153262.5); c.8T>C (NM_001146262.2); short protein forms I3T.
Identifiers: ClinVar variation 2592327 (VCV002592327.4), dbSNP rs1351759000, ClinGen allele CA344605025.